The following is an entry in ClinVar:

ClinVar aggregate classification (germline): Uncertain significance (1 of 4 stars; one submission).

Conditions:
Hypertrophic cardiomyopathy 13. Also called: TNNC1-Related Familial Hypertrophic Cardiomyopathy. Identifiers: MedGen C2750472, MONDO:0013195, OMIM 613243.
Dilated cardiomyopathy 1Z (CMD1Z). Identifiers: Orphanet 154, MedGen C2678475, MONDO:0012745, OMIM 611879.

Submission:

Labcorp Genetics (formerly Invitae), Labcorp
Classification: Uncertain significance for Hypertrophic cardiomyopathy 13; Dilated cardiomyopathy 1Z. Last evaluated: 2025-10-27. Review status: criteria provided, single submitter. Criteria: Invitae Variant Classification Sherloc (09022015). Collection method: clinical testing. Allele origin: germline.
Comment: This sequence change replaces aspartic acid, which is acidic and polar, with valine, which is neutral and non-polar, at codon 109 of the TNNC1 protein (p.Asp109Val). This variant is not present in population databases (gnomAD no frequency). This variant has not been reported in the literature in individuals affected with TNNC1-related conditions. An algorithm developed to predict the effect of missense changes on protein structure and function (PolyPhen-2) suggests that this variant is likely to be disruptive. In summary, the available evidence is currently insufficient to determine the role of this variant in disease. Therefore, it has been classified as a Variant of Uncertain Significance.

NM_003280.3(TNNC1):c.326A>T (p.Asp109Val)

Gene: TNNC1 (troponin C1, slow skeletal and cardiac type; minus strand). Cytogenetic location: 3p21.1.
Variant type: single nucleotide variant.
Coding change: c.326A>T on transcript NM_003280.3 (MANE Select); coding-DNA position 326, A replaced by T.
Protein change: p.Asp109Val; replaces aspartic acid 109 with valine.
Molecular consequence: missense variant.
Genome position (GRCh38, 1-based): chr3:52,451,519, T>A on the plus strand (A>T on the coding strand, the complement: TNNC1 is on the minus strand). VCF-style: chr3-52451519-T-A. GRCh37 (hg19) VCF-style: chr3-52485535-T-A.
Other names: short protein forms D109V.
Identifiers: ClinVar variation 4787878 (VCV004787878.1).
Genomic context (GRCh38, chr3:52,451,519, plus strand): 5'-GTGATGGTCTCGCCTGTAGCCTGCAGCATTATCTTCAGCTCATCCAGGTCGATGTAGCCA[T>A]CAGCATTTCTGTGGGGAGGGGGCTCAGGGTAGGGCTGTGGGGAGGGCATGAGGCAGCCCC-3'
Protein context (NP_003271.1, residues 99-119): DLFRMFDKNA[Asp109Val]GYIDLDELKI